The following is an entry in ClinVar:

NM_006231.4(POLE):c.4150G>C (p.Val1384Leu)

Gene: POLE (DNA polymerase epsilon, catalytic subunit; minus strand). Cytogenetic location: 12q24.33.
Variant type: single nucleotide variant.
Coding change: c.4150G>C on transcript NM_006231.4 (MANE Select); coding-DNA position 4150, G replaced by C.
Protein change: p.Val1384Leu; replaces valine 1384 with leucine.
Molecular consequence: missense variant.
Genome position (GRCh38, 1-based): chr12:132,643,977, C>G on the plus strand (G>C on the coding strand, the complement: POLE is on the minus strand). VCF-style: chr12-132643977-C-G. GRCh37 (hg19) VCF-style: chr12-133220563-C-G.
Other names: short protein forms V1384L.
Identifiers: ClinVar variation 3225451 (VCV003225451.1), dbSNP rs2138562552, ClinGen allele CA387382565.

ClinVar aggregate classification (germline): Uncertain significance (1 of 4 stars; one submission).

Conditions:
Hereditary cancer-predisposing syndrome. Also called: Neoplastic Syndromes, Hereditary; Tumor predisposition; Hereditary neoplastic syndrome; Hereditary Cancer Syndrome. Identifiers: Orphanet 140162, MedGen C0027672, MeSH D009386, MONDO:0015356.

Submission:

Ambry Genetics
Classification: Uncertain significance for Hereditary cancer-predisposing syndrome. Last evaluated: 2024-01-11. Review status: criteria provided, single submitter. Criteria: Ambry Variant Classification Scheme 2023. Collection method: clinical testing. Allele origin: germline.
Comment: The p.V1384L variant (also known as c.4150G>C) is located in coding exon 33 of the POLE gene. The valine at codon 1384 is replaced by leucine, an amino acid with highly similar properties. This change occurs in the first base pair of coding exon 33. This amino acid position is conserved. In addition, the in silico prediction for this alteration is inconclusive. Since supporting evidence is limited at this time, the clinical significance of this alteration remains unclear.